The following is an entry in ClinVar:

NM_000360.4(TH):c.793C>G (p.Arg265Gly)

Gene: TH (tyrosine hydroxylase; minus strand). Cytogenetic location: 11p15.5.
Variant type: single nucleotide variant.
Coding change: c.793C>G on transcript NM_000360.4 (MANE Select); coding-DNA position 793, C replaced by G.
Protein change: p.Arg265Gly; replaces arginine 265 with glycine.
Molecular consequence: missense variant.
Genome position (GRCh38, 1-based): chr11:2,166,935, G>C on the plus strand (C>G on the coding strand, the complement: TH is on the minus strand). VCF-style: chr11-2166935-G-C. GRCh37 (hg19) VCF-style: chr11-2188165-G-C.
Other names: c.886C>G, p.Arg296Gly (NM_199292.3); c.874C>G, p.Arg292Gly (NM_199293.3); short protein forms R265G, R292G, R296G.
Identifiers: ClinVar variation 877564 (VCV000877564.8), dbSNP rs1203763637, ClinGen allele CA379126702.
Genomic context (GRCh38, chr11:2,166,935, plus strand): 5'-GTCTGGGCACACCCTTCAGGAAGCGGGAGACGTCCTCCAGCTGGGGGATATTGTCTTCCC[G>C]GTAGCCGCTGAAGCGCTCCAGCAAAGCAAAGGCCTCCAGGTGCTCCCCGCAGGCGTGCGT-3'
Protein context (NP_000351.2, residues 255-275): FALLERFSGY[Arg265Gly]EDNIPQLEDV

ClinVar aggregate classification (germline): Uncertain significance. Review status: criteria provided, multiple submitters, no conflicts (2 of 4 stars). 2 submissions from 2 submitters: Uncertain significance (2). Last evaluated 2022-07-19.

Conditions:
TH-deficient dopa-responsive dystonia. Also called: Tyrosine Hydroxylase-Deficient Dopa-Responsive Dystonia; DYT-TH; Segawa syndrome, autosomal recessive. Identifiers: Orphanet 101150, MedGen C2673535, MONDO:0011551, OMIM 605407.

Allele frequency attached by ClinVar (database versions not stated): gnomAD exomes below 0.00001; TOPMed 0.00001; gnomAD 0.00002.
gnomAD v4.1: 74 of 1,600,474 alleles (0.0046%); highest among the groups gnomAD compares: Non-Finnish European, 0.0061%; no homozygotes.

Submissions (2):

Labcorp Genetics (formerly Invitae), Labcorp
Classification: Uncertain significance for TH-deficient dopa-responsive dystonia. Last evaluated: 2022-07-19. Review status: criteria provided, single submitter. Criteria: Invitae Variant Classification Sherloc (09022015). Collection method: clinical testing. Allele origin: germline.
Comment: This sequence change replaces arginine, which is basic and polar, with glycine, which is neutral and non-polar, at codon 296 of the TH protein (p.Arg296Gly). The frequency data for this variant in the population databases is considered unreliable, as metrics indicate poor data quality at this position in the gnomAD database. This variant has not been reported in the literature in individuals affected with TH-related conditions. ClinVar contains an entry for this variant (Variation ID: 877564). Advanced modeling of protein sequence and biophysical properties (such as structural, functional, and spatial information, amino acid conservation, physicochemical variation, residue mobility, and thermodynamic stability) performed at Invitae indicates that this missense variant is not expected to disrupt TH protein function. In summary, the available evidence is currently insufficient to determine the role of this variant in disease. Therefore, it has been classified as a Variant of Uncertain Significance.

Illumina Laboratory Services, Illumina
Classification: Uncertain significance for TH-deficient dopa-responsive dystonia. Last evaluated: 2018-01-12. Review status: criteria provided, single submitter. Criteria: ICSL Variant Classification Criteria 13 December 2019. Collection method: clinical testing. Allele origin: germline.